The following is an entry in ClinVar:

NM_006922.4(SCN3A):c.446A>G (p.Asn149Ser)

Gene: SCN3A (sodium voltage-gated channel alpha subunit 3; minus strand). Cytogenetic location: 2q24.3.
Variant type: single nucleotide variant.
Coding change: c.446A>G on transcript NM_006922.4 (MANE Select); coding-DNA position 446, A replaced by G.
Protein change: p.Asn149Ser; replaces asparagine 149 with serine.
Molecular consequence: missense variant.
Genome position (GRCh38, 1-based): chr2:165,168,763, T>C on the plus strand (A>G on the coding strand, the complement: SCN3A is on the minus strand). VCF-style: chr2-165168763-T-C. GRCh37 (hg19) VCF-style: chr2-166025273-T-C.
Other names: c.446A>G, p.Asn149Ser (NM_001081676.2, NM_001081677.2); short protein forms N149S.
Identifiers: ClinVar variation 1717545 (VCV001717545.5), dbSNP rs2468519068, ClinGen allele CA349240243.
Genomic context (GRCh38, chr2:165,168,763, plus strand): 5'-CATTTCTCATTCCCAGAAGTTATTCCTACTTACTCTACATTCTTTGTCCAGTCAGGAGGG[T>C]TGCTCAAGGTCATAAATACACAGTTGGTCAAAATAGTGCACATGATAAGCATGCTGAATA-3'
Protein context (NP_008853.3, residues 139-159): LTNCVFMTLS[Asn149Ser]PPDWTKNVEY

ClinVar aggregate classification (germline): Uncertain significance (1 of 4 stars; one submission).

gnomAD v4.1: 1 of 1,611,896 alleles (0.000062%); highest among the groups gnomAD compares: African/African-American, 0.0013%; no homozygotes.

Submission:

Labcorp Genetics (formerly Invitae), Labcorp
Classification: Uncertain significance. Last evaluated: 2022-08-22. Review status: criteria provided, single submitter. Criteria: Invitae Variant Classification Sherloc (09022015). Collection method: clinical testing. Allele origin: germline.
Comment: In summary, the available evidence is currently insufficient to determine the role of this variant in disease. Therefore, it has been classified as a Variant of Uncertain Significance. Algorithms developed to predict the effect of missense changes on protein structure and function are either unavailable or do not agree on the potential impact of this missense change (SIFT: "Deleterious"; PolyPhen-2: "Probably Damaging"; Align-GVGD: "Class C0"). This variant has not been reported in the literature in individuals affected with SCN3A-related conditions. This variant is not present in population databases (gnomAD no frequency). This sequence change replaces asparagine, which is neutral and polar, with serine, which is neutral and polar, at codon 149 of the SCN3A protein (p.Asn149Ser).